The following is an entry in ClinVar:

NM_000038.6(APC):c.7160A>C (p.Asn2387Thr)

Gene: APC (APC regulator of WNT signaling pathway; plus strand). Cytogenetic location: 5q22.2.
Variant type: single nucleotide variant.
Coding change: c.7160A>C on transcript NM_000038.6 (MANE Select); coding-DNA position 7160, A replaced by C.
Protein change: p.Asn2387Thr; replaces asparagine 2387 with threonine.
Molecular consequence: missense variant. On other transcripts: non-coding transcript variant (2).
Genome position (GRCh38, 1-based): chr5:112,842,754, A>C. VCF-style: chr5-112842754-A-C. GRCh37 (hg19) VCF-style: chr5-112178451-A-C.
Other names: c.7160A>C, p.Asn2387Thr (NM_001127510.3, NM_001354895.2, NM_001407450.1); c.7106A>C, p.Asn2369Thr (NM_001127511.3); c.7214A>C, p.Asn2405Thr (NM_001354896.2, NM_001407447.1, NM_001407448.1 and 1 more transcripts); c.7190A>C, p.Asn2397Thr (NM_001354897.2); c.7085A>C, p.Asn2362Thr (NM_001354898.2); c.7076A>C, p.Asn2359Thr (NM_001354899.2); c.7037A>C, p.Asn2346Thr (NM_001354900.2); c.6983A>C, p.Asn2328Thr (NM_001354901.2, NM_001407453.1); and 11 more; short protein forms N2003T, N2104T, N2227T, N2258T, N2261T, N2286T, N2296T, N2304T.
Identifiers: ClinVar variation 2681833 (VCV002681833.1), dbSNP rs1554088085, ClinGen allele CA16036923.

ClinVar aggregate classification (germline): Uncertain significance (1 of 4 stars; one submission).

Submission:

Quest Diagnostics Nichols Institute San Juan Capistrano
Classification: Uncertain significance. Last evaluated: 2022-11-04. Review status: criteria provided, single submitter. Criteria: Quest Diagnostics criteria. Collection method: clinical testing. Allele origin: unknown.
Comment: To the best of our knowledge, has not been reported in the published literature. It also has not been reported in large, multi-ethnic general populations. Analysis of this variant using bioinformatics tools for the prediction of the effect of amino acid changes on protein structure and function yielded predictions that this variant is benign. Based on the available information, we are unable to determine the clinical significance of this variant.